The following is an entry in ClinVar:

NM_000218.3(KCNQ1):c.796del (p.Leu266fs)

Gene: KCNQ1 (potassium voltage-gated channel subfamily Q member 1; plus strand). Cytogenetic location: 11p15.5.
Variant type: Deletion.
Coding change: c.796del on transcript NM_000218.3 (MANE Select); coding-DNA position 796, one base deleted (C; older notation c.796delC).
Protein change: p.Leu266fs; shifts the reading frame from leucine 266.
Molecular consequence: frameshift variant.
Genome position (GRCh38, 1-based): chr11:2,572,861, C deleted; the last of 3 consecutive C bases (chr11:2,572,859-2,572,861); deleting any one gives the same sequence. VCF-style (leftmost placement, unchanged base first): chr11-2572858-AC-A. GRCh37 (hg19) VCF-style: chr11-2594088-AC-A.
Other names: c.796delC, p.Leu266Cysfs (NM_000218.2, NM_001406836.1); c.526delC, p.Leu176Cysfs (NM_001406837.1); c.415delC, p.Leu139Cysfs (NM_181798.2); short protein forms L139fs, L266fs.
Identifiers: ClinVar variation 53107 (VCV000053107.22), dbSNP rs397508125, ClinGen allele CA008255.

ClinVar aggregate classification (germline): Pathogenic. Review status: criteria provided, multiple submitters, no conflicts (2 of 4 stars). 8 submissions from 8 submitters: Pathogenic (8). Last evaluated 2025-12-13.

Conditions:
Long QT syndrome (LQTS). Identifiers: MedGen C0023976, MeSH D008133, MONDO:0002442. Disease mechanism: loss of function. Inheritance: Various modes of inheritance.
Long QT syndrome 1 (LQT1). Identifiers: Orphanet 101016, Orphanet 768, MedGen C4551647, MONDO:0100316, OMIM 192500, MONDO:0008646.
Cardiovascular phenotype. Identifiers: MedGen CN230736.
Cardiac arrhythmia. Also called: Arrhythmia; Cardiac rhythm disease. Identifiers: MedGen C0003811, MONDO:0007263, HP:0011675.
Atrial fibrillation, familial, 3 (ATFB3). Identifiers: MedGen C1837014, MONDO:0011857, OMIM 607554.
Jervell and Lange-Nielsen syndrome 1 (JLNS1). Also called: CARDIOAUDITORY SYNDROME OF JERVELL AND LANGE-NIELSEN; DEAFNESS, CONGENITAL, AND FUNCTIONAL HEART DISEASE; PROLONGED QT INTERVAL IN EKG AND SUDDEN DEATH; SURDO-CARDIAC SYNDROME. Identifiers: Orphanet 768, Orphanet 90647, MedGen C4551509, MONDO:0024540, OMIM 220400.
Beckwith-Wiedemann syndrome (BWS). Also called: EMG SYNDROME; Exomphalos macroglossia gigantism syndrome. Identifiers: Orphanet 116, MedGen C0004903, MONDO:0007534, OMIM 130650.
Short QT syndrome type 2. Identifiers: Orphanet 51083, MedGen C1865019, MONDO:0012313, OMIM 609621.

Submissions (8):

Labcorp Genetics (formerly Invitae), Labcorp
Classification: Pathogenic for Long QT syndrome. Last evaluated: 2025-12-13. Review status: criteria provided, single submitter. Criteria: Invitae Variant Classification Sherloc (09022015). Collection method: clinical testing. Allele origin: germline.
Comment: This sequence change creates a premature translational stop signal (p.Leu266Cysfs*23) in the KCNQ1 gene. It is expected to result in an absent or disrupted protein product. Loss-of-function variants in KCNQ1 are known to be pathogenic (PMID: 9323054, 19862833). This variant is present in population databases (rs397508125, gnomAD 0.01%). This premature translational stop signal has been observed in individual(s) with long QT syndrome or referred for long QT syndrome testing (PMID: 16414944, 19716085). ClinVar contains an entry for this variant (Variation ID: 53107). For these reasons, this variant has been classified as Pathogenic.

Color Diagnostics, LLC DBA Color Health
Classification: Pathogenic for Cardiac arrhythmia. Last evaluated: 2025-06-24. Review status: criteria provided, single submitter. Criteria: ACMG Guidelines, 2015. Collection method: clinical testing. Allele origin: germline.
Comment: This variant deletes 1 nucleotide in exon 6 of the KCNQ1 gene, creating a frameshift and premature translation stop signal. This variant is expected to result in an absent or non-functional protein product. This variant has been reported in individuals affected with long QT syndrome (PMID: 16414944, 19716085). It has also been reported in an individual affected with long QT syndrome in compound heterozygous state with another pathogenic truncation variant (PMID: 23631430), in an individual affected with a prolonged QTc interval (PMID: 34319147), and in individuals suspected to be affected with cardiomyopathy or arrhythmia (PMID: 35947370). This variant has not been identified in the general population by the Genome Aggregation Database (gnomAD). Loss of KCNQ1 function is a known mechanism of disease. Based on the available evidence, this variant is classified as Pathogenic.

All of Us Research Program, National Institutes of Health
Classification: Pathogenic for Long QT syndrome. Last evaluated: 2023-08-16. Review status: criteria provided, single submitter. Criteria: ACMG Guidelines, 2015. Collection method: clinical testing. Allele origin: germline. Inheritance: Autosomal dominant inheritance. Observed: 1 variant allele, 1 heterozygote.
Comment: This variant is predicted to result in loss of protein function through nonsense-mediated or protein truncation. Loss of function is an established mechanism of disease. This variant has been reported in multiple individuals with long QT syndrome or referred for long QT syndrome genetic testing (PMID: 19716085, 23631430, 22956155, 34319147, 16414944). It is absent from large population databases, including the Genome Aggregation Database.

This study involves interpretation of variants in research participants for the purpose of population health screening. Participant phenotype was not available at the time of variant classification. Additional details can be found in publication PMID: 35346344, PMCID: PMC8962531

Ambry Genetics
Classification: Pathogenic for Cardiovascular phenotype. Last evaluated: 2023-02-13. Review status: criteria provided, single submitter. Criteria: Ambry Variant Classification Scheme 2023. Collection method: clinical testing. Allele origin: germline.
Comment: The c.796delC pathogenic mutation, located in coding exon 6 of the KCNQ1 gene, results from a deletion of one nucleotide at nucleotide position 796, causing a translational frameshift with a predicted alternate stop codon (p.L266Cfs*23). This alteration has been detected in individuals referred for long QT syndrome genetic testing (Napolitano C et al. JAMA, 2005 Dec;294:2975-80; Lieve KV et al. Genet Test Mol Biomarkers, 2013 Jul;17:553-61). This variant is considered to be rare based on population cohorts in the Genome Aggregation Database (gnomAD). This alteration is expected to result in loss of function by premature protein truncation or nonsense-mediated mRNA decay. As such, this alteration is interpreted as a disease-causing mutation.

Victorian Clinical Genetics Services, Murdoch Childrens Research Institute
Classification: Pathogenic for Long QT syndrome 1. Last evaluated: 2022-02-02. Review status: criteria provided, single submitter. Criteria: ACMG Guidelines, 2015. Collection method: clinical testing. Allele origin: germline. Inheritance: Autosomal dominant inheritance. Affected: yes.
Comment: Based on the classification scheme VCGS_Germline_v1.3.4, this variant is classified as Pathogenic. Following criteria are met: 0103 - Dominant negative, loss of function and gain of function are known mechanisms of disease in this gene. Gain of function variants result exclusively in short QT syndrome (MIM#609621), while dominant negative and loss of function variants can cause long QT syndrome (LQTS, MIM#192500), atrial fibrillation (MIM#607554) and Jervell and Lange-Nielsen syndrome (JLNS, MIM#220400) (OMIM, PMIDs: 19632626, 28438721). (I) 0108 - This gene is known to be associated with both recessive and dominant disease. JLNS is characterized by congenital, bilateral deafness and variable degrees of QT prolongation, and is the only condition caused by biallelic variants (PMID: 28438721). (I) 0112 - The condition associated with this gene has incomplete penetrance (OMIM, PMID: 20301308). (I) 0201 - Variant is predicted to cause nonsense-mediated decay (NMD) and loss of protein (premature termination codon is located at least 54 nucleotides upstream of the final exon-exon junction). (SP) 0251 - This variant is heterozygous. (I) 0302 - Variant is present in gnomAD (v3) <0.001 for a dominant condition (2 heterozygotes, 0 homozygotes). (SP) 0701 - Other NMD-predicted variants comparable to the one identified in this case have very strong previous evidence for pathogenicity. Multiple NMD-predicted variants have been reported as pathogenic or likely pathogenic in individuals with LQTS (ClinVar). (SP) 0801 - This variant has strong previous evidence of pathogenicity in unrelated individuals. This variant has been reported in multiple individuals with LQTS (PMID: 19716085, 16414944, 23631430, VCGS). (SP) 0905 - No published segregation evidence has been identified for this variant. (I) 1007 - No published functional evidence has been identified for this variant. (I) 1208 - Inheritance information for this variant is not currently available in this individual. (I) Legend: (SP) - Supporting pathogenic, (I) - Information, (SB) - Supporting benign

GeneDx
Classification: Pathogenic. Last evaluated: 2022-01-04. Review status: criteria provided, single submitter. Criteria: GeneDx Variant Classification Process June 2021. Collection method: clinical testing. Allele origin: germline. Affected: yes.
Comment: Reported in patients with LQTS in the published literature (Napolitano et al., 2005; Kapplinger et al., 2009); Not observed at a significant frequency in large population cohorts (gnomAD); Frameshift variant predicted to result in protein truncation or nonsense mediated decay in a gene for which loss-of-function is a known mechanism of disease; Reported in ClinVar as a pathogenic variant (ClinVar Variant ID# 53107); This variant is associated with the following publications: (PMID: 19716085, 22956155, 34319147, 16414944)

Fulgent Genetics
Classification: Pathogenic for Beckwith-Wiedemann syndrome; Long QT syndrome 1; Jervell and Lange-Nielsen syndrome 1; Atrial fibrillation, familial, 3; Short QT syndrome type 2. Last evaluated: 2021-09-16. Review status: criteria provided, single submitter. Criteria: ACMG Guidelines, 2015. Collection method: clinical testing. Allele origin: unknown.

Clinical Molecular Genetics Laboratory, Johns Hopkins All Children's Hospital
Classification: Pathogenic for Long QT syndrome 1. Last evaluated: 2018-12-21. Review status: criteria provided, single submitter. Criteria: ACMG Guidelines, 2015. Collection method: clinical testing. Allele origin: germline. Inheritance: Autosomal dominant inheritance. Affected: yes. Observed: 1 heterozygote.

Literature cited by the submitters: PubMed 9323054 (cited by Labcorp Genetics (formerly Invitae), Labcorp); PubMed 19862833 (cited by Labcorp Genetics (formerly Invitae), Labcorp); PubMed 16414944 (cited by 5 submitters); PubMed 19716085 (cited by 4 submitters); PubMed 23631430 (cited by 4 submitters); PubMed 34319147 (cited by Color Diagnostics, LLC DBA Color Health and All of Us Research Program, National Institutes of Health); PubMed 35947370 (cited by Color Diagnostics, LLC DBA Color Health); PubMed 22956155 (cited by All of Us Research Program, National Institutes of Health); PubMed 19632626 (cited by Victorian Clinical Genetics Services, Murdoch Childrens Research Institute); PubMed 20301308 (cited by Victorian Clinical Genetics Services, Murdoch Childrens Research Institute); PubMed 28438721 (cited by Victorian Clinical Genetics Services, Murdoch Childrens Research Institute).